The following is an entry in ClinVar:

NM_000439.5(PCSK1):c.560A>T (p.Tyr187Phe)

Genes: PCSK1 (proprotein convertase subtilisin/kexin type 1; minus strand), CAST (calpastatin; plus strand), LOC101929710 (uncharacterized LOC101929710; plus strand). Cytogenetic location: 5q15.
Variant type: single nucleotide variant.
Coding change: c.560A>T on transcript NM_000439.5 (MANE Select); coding-DNA position 560, A replaced by T.
Protein change: p.Tyr187Phe; replaces tyrosine 187 with phenylalanine.
Molecular consequence: missense variant. On other transcripts: intron variant (11).
Genome position (GRCh38, 1-based): chr5:96,421,940, T>A on the plus strand (A>T on the coding strand, the complement: PCSK1 is on the minus strand). VCF-style: chr5-96421940-T-A. GRCh37 (hg19) VCF-style: chr5-95757644-T-A.
Other names: c.419A>T, p.Tyr140Phe (NM_001177875.2); c.-175+42288T>A (NM_001423254.1, NM_001423259.1, NM_001423255.1 and 6 more transcripts); c.-103+42288T>A (NM_001423253.1); c.-40+42288T>A (NM_001423258.1); short protein forms Y187F, Y140F.
Identifiers: ClinVar variation 5000108 (VCV005000108.1).

ClinVar aggregate classification (germline): Uncertain significance (1 of 4 stars; one submission).

Conditions:
PCSK1-related disorder. Also called: PCSK1-related condition.

Submission:

PreventionGenetics, part of Exact Sciences
Classification: Uncertain significance for PCSK1-related condition. Last evaluated: 2025-06-13. Review status: criteria provided, single submitter. Criteria: ACMG Guidelines, 2015. Collection method: clinical testing. Allele origin: germline.
Comment: The PCSK1 c.560A>T variant is predicted to result in the amino acid substitution p.Tyr187Phe. To our knowledge, this variant has not been reported in the literature or in a large population database (gnomAD), indicating this variant is rare. At this time, the clinical significance of this variant is uncertain due to the absence of conclusive functional and genetic evidence.